The following is an entry in ClinVar:

ClinVar aggregate classification (germline): Likely benign. Review status: criteria provided, multiple submitters, no conflicts (2 of 4 stars). 3 submissions from 3 submitters: Likely benign (2). 1 of the submissions does not count toward it. Last evaluated 2025-05-29.

Conditions:
PDE6C-related disorder. Also called: PDE6C-related condition.

Allele frequency attached by ClinVar (database versions not stated): ExAC 0.00002; 1000 Genomes Project 30x 0.00016; 1000 Genomes Project 0.00020.
gnomAD v4.1: 43 of 1,547,718 alleles (0.0028%); highest among the groups gnomAD compares: Middle Eastern, 0.017%; no homozygotes.

Submissions (3):

Labcorp Genetics (formerly Invitae), Labcorp
Classification: Likely benign. Last evaluated: 2025-05-29. Review status: criteria provided, single submitter. Criteria: Invitae Variant Classification Sherloc (09022015). Collection method: clinical testing. Allele origin: germline.

Blueprint Genetics
Classification: Likely benign. Last evaluated: 2024-06-10. Review status: criteria provided, single submitter. Criteria: ACMG Guidelines, 2015. Collection method: clinical testing. Allele origin: germline.

PreventionGenetics, part of Exact Sciences
Classification: Likely benign for PDE6C-related condition. Last evaluated: 2020-04-17. Review status: no assertion criteria provided. Collection method: clinical testing. Allele origin: germline. Not counted in ClinVar's aggregate classification.
Comment: This variant is classified as likely benign based on ACMG/AMP sequence variant interpretation guidelines (Richards et al. 2015 PMID: 25741868, with internal and published modifications).

NM_006204.4(PDE6C):c.1738-9T>C

Gene: PDE6C (phosphodiesterase 6C; plus strand). Cytogenetic location: 10q23.33.
Variant type: single nucleotide variant.
Coding change: c.1738-9T>C on transcript NM_006204.4 (MANE Select); 9 bases into the intron before coding-DNA position 1738, T replaced by C.
Molecular consequence: intron variant.
Genome position (GRCh38, 1-based): chr10:93,640,911, T>C. VCF-style: chr10-93640911-T-C. GRCh37 (hg19) VCF-style: chr10-95400668-T-C.
Other names: c.1738-9T>C (NM_006204.3).
Identifiers: ClinVar variation 2054398 (VCV002054398.7), dbSNP rs572738950, ClinGen allele CA5610289.